The following is an entry in ClinVar:

NM_152564.5(VPS13B):c.345C>T (p.Ser115=)

Gene: VPS13B (vacuolar protein sorting 13 homolog B; plus strand). Cytogenetic location: 8q22.2.
Variant type: single nucleotide variant.
Coding change: c.345C>T on transcript NM_152564.5 (MANE Select); coding-DNA position 345, C replaced by T.
Protein change: p.Ser115=; no amino-acid change (serine 115 retained).
Molecular consequence: synonymous variant. On other transcripts: non-coding transcript variant (1).
Genome position (GRCh38, 1-based): chr8:99,096,365, C>T. VCF-style: chr8-99096365-C-T. GRCh37 (hg19) VCF-style: chr8-100108593-C-T.
Other names: c.345C>T, p.Ser115= (NM_015243.3, NM_017890.5, NM_181661.3); c.345C>T (NM_152564.4).
Identifiers: ClinVar variation 760004 (VCV000760004.13), dbSNP rs372489158, ClinGen allele CA4822349.
Genomic context (GRCh38, chr8:99,096,365, plus strand): 5'-AAAATAGGATGACCATGAAAGCTGTGGTTCTAATTCTACCAACCGTAGTACTGCTGAGAG[C>T]ACAAAATCATCAATCAAACCGCGGAGAATGCAGCAGGCTGCTCCTACAGATCCTGACTTA-3'
Protein context (NP_689777.3, residues 105-125): SNSTNRSTAE[Ser115=]TKSSIKPRRM

ClinVar aggregate classification (germline): Likely benign. Review status: criteria provided, multiple submitters, no conflicts (2 of 4 stars). 4 submissions from 4 submitters: Likely benign (3). 1 of the submissions does not count toward it. Last evaluated 2026-02-24.

Conditions:
Cohen syndrome (COH1). Also called: Cutis verticis gyrata, retinitis pigmentosa, and sensorineural deafness; PEPPER SYNDROME. Identifiers: Orphanet 193, MedGen C0265223, MONDO:0008999, OMIM 216550.
VPS13B-related disorder. Also called: VPS13B-related condition.

Allele frequency attached by ClinVar (database versions not stated): gnomAD exomes 0.00001 and 0.00004; gnomAD 0.00003 and 0.00004; TOPMed 0.00003; ExAC 0.00005; ESP Exome Variant Server 0.00008.
gnomAD v4.1: 28 of 1,613,900 alleles (0.0017%); highest among the groups gnomAD compares: Non-Finnish European, 0.000085%; no homozygotes.

Submissions (4):

PreventionGenetics, part of Exact Sciences
Classification: Likely benign for VPS13B-related condition. Last evaluated: 2026-02-24. Review status: criteria provided, single submitter. Criteria: ACMG Guidelines, 2015. Collection method: clinical testing. Allele origin: germline.
Comment: This variant is classified as likely benign based on ACMG/AMP sequence variant interpretation guidelines (Richards et al. 2015 PMID: 25741868, with internal and published modifications).

Labcorp Genetics (formerly Invitae), Labcorp
Classification: Likely benign for Cohen syndrome. Last evaluated: 2025-12-30. Review status: criteria provided, single submitter. Criteria: Invitae Variant Classification Sherloc (09022015). Collection method: clinical testing. Allele origin: germline.

Blueprint Genetics
Classification: Likely benign. Last evaluated: 2024-08-29. Review status: criteria provided, single submitter. Criteria: ACMG Guidelines, 2015. Collection method: clinical testing. Allele origin: germline.

Natera, Inc.
Classification: Likely benign for Cohen syndrome. Last evaluated: 2020-09-16. Review status: no assertion criteria provided. Collection method: clinical testing. Allele origin: germline. Not counted in ClinVar's aggregate classification.